The following is an entry in ClinVar:

NM_001278116.2(L1CAM):c.2944G>T (p.Asp982Tyr)

Gene: L1CAM (L1 cell adhesion molecule; minus strand). Cytogenetic location: Xq28.
Variant type: single nucleotide variant.
Coding change: c.2944G>T on transcript NM_001278116.2 (MANE Select); coding-DNA position 2944, G replaced by T.
Protein change: p.Asp982Tyr; replaces aspartic acid 982 with tyrosine.
Molecular consequence: missense variant.
Genome position (GRCh38, 1-based): chrX:153,864,923, C>A on the plus strand (G>T on the coding strand, the complement: L1CAM is on the minus strand). VCF-style: chrX-153864923-C-A. GRCh37 (hg19) VCF-style: chrX-153130378-C-A.
Other names: c.2944G>T, p.Asp982Tyr (NM_000425.5, NM_024003.3); c.2929G>T, p.Asp977Tyr (NM_001143963.2); short protein forms D977Y, D982Y.
Identifiers: ClinVar variation 4875022 (VCV004875022.2).

ClinVar aggregate classification (germline): Uncertain significance (1 of 4 stars; one submission).

gnomAD v4.1: 2 of 1,211,033 alleles (0.00017%); highest among the groups gnomAD compares: Non-Finnish European, 0.00022%; no homozygotes.

Submission:

CeGaT Center for Human Genetics Tuebingen
Classification: Uncertain significance. Last evaluated: 2026-05-01. Review status: criteria provided, single submitter. Criteria: CeGaT Center For Human Genetics Tuebingen Variant Classification Criteria Version 2. Collection method: clinical testing. Allele origin: germline. Affected: yes. Observed: 1 variant allele.
Comment: L1CAM: PM2, BP4